The following is an entry in ClinVar:

ClinVar aggregate classification (germline): Uncertain significance (1 of 4 stars; one submission).

Conditions:
Cardiovascular phenotype. Identifiers: MedGen CN230736.

Submission:

Ambry Genetics
Classification: Uncertain significance for Cardiovascular phenotype. Last evaluated: 2025-05-16. Review status: criteria provided, single submitter. Criteria: Ambry Variant Classification Scheme 2023. Collection method: clinical testing. Allele origin: germline.
Comment: The p.Q1489R variant (also known as c.4466A>G), located in coding exon 8 of the ALMS1 gene, results from an A to G substitution at nucleotide position 4466. The glutamine at codon 1489 is replaced by arginine, an amino acid with highly similar properties. This amino acid position is not well conserved in available vertebrate species. In addition, this alteration is predicted to be tolerated by in silico analysis. Based on the available evidence, the clinical significance of this variant remains unclear.

NM_001378454.1(ALMS1):c.4463A>G (p.Gln1488Arg)

Gene: ALMS1 (ALMS1 centrosome and basal body associated protein; plus strand). Cytogenetic location: 2p13.1.
Variant type: single nucleotide variant.
Coding change: c.4463A>G on transcript NM_001378454.1 (MANE Select); coding-DNA position 4463, A replaced by G.
Protein change: p.Gln1488Arg; replaces glutamine 1488 with arginine.
Molecular consequence: missense variant.
Genome position (GRCh38, 1-based): chr2:73,450,990, A>G. VCF-style: chr2-73450990-A-G. GRCh37 (hg19) VCF-style: chr2-73678117-A-G.
Other names: c.4466A>G, p.Gln1489Arg (NM_015120.4); short protein forms Q1488R, Q1489R.
Identifiers: ClinVar variation 4042688 (VCV004042688.1).
Genomic context (GRCh38, chr2:73,450,990, plus strand): 5'-CACCAACTGTAACCTCCCCTTCCAGCTCATTTGGAGAGAAGCCCATTGTTATCTACAAAC[A>G]GGCCTTTCCAGAGGGTCATCTACCTGAAGAGTCTCTGAAAGTTTCAGTTGCTCCTGGACC-3'
Protein context (NP_001365383.1, residues 1478-1498): FGEKPIVIYK[Gln1488Arg]AFPEGHLPEE